The following is an entry in ClinVar:

ClinVar aggregate classification (germline): Uncertain significance (1 of 4 stars; one submission).

Allele frequency attached by ClinVar (database versions not stated): gnomAD 0.00001; gnomAD exomes 0.00001; ExAC 0.00002; TOPMed 0.00003.
gnomAD v4.1: 12 of 1,613,746 alleles (0.00074%); highest among the groups gnomAD compares: African/African-American, 0.004%; no homozygotes.

Submission:

GeneDx
Classification: Uncertain significance. Last evaluated: 2022-03-03. Review status: criteria provided, single submitter. Criteria: GeneDx Variant Classification Process June 2021. Collection method: clinical testing. Allele origin: germline. Affected: yes.
Comment: Not observed at significant frequency in large population cohorts (gnomAD); In silico analysis supports that this missense variant does not alter protein structure/function; Has not been previously published as pathogenic or benign to our knowledge

NM_005138.3(SCO2):c.520G>A (p.Val174Ile)

Genes: NCAPH2 (non-SMC condensin II complex subunit H2; plus strand), SCO2 (synthesis of cytochrome C oxidase 2; minus strand). Cytogenetic location: 22q13.33.
Variant type: single nucleotide variant.
Coding change: c.520G>A on transcript NM_005138.3 (MANE Select); coding-DNA position 520, G replaced by A.
Protein change: p.Val174Ile; replaces valine 174 with isoleucine.
Molecular consequence: missense variant. On other transcripts: 3 prime UTR variant (2).
Genome position (GRCh38, 1-based): chr22:50,523,892, C>T on the plus strand (G>A on the coding strand, the complement: SCO2 is on the minus strand). VCF-style: chr22-50523892-C-T. GRCh37 (hg19) VCF-style: chr22-50962321-C-T.
Other names: c.520G>A, p.Val174Ile (NM_001169109.2, NM_001169110.1, NM_001169111.2); c.*517C>T (NM_001185011.2, NM_152299.4); short protein forms V174I.
Identifiers: ClinVar variation 1703995 (VCV001703995.2), dbSNP rs748362764, ClinGen allele CA10321181.